The following is an entry in ClinVar:

ClinVar aggregate classification (germline): Uncertain significance (1 of 4 stars; one submission).

Conditions:
Autosomal recessive limb-girdle muscular dystrophy type R18 (LGMDR18). Also called: Autosomal recessive limb-girdle muscular dystrophy type 2S; Limb-girdle muscular dystrophy, type 2S; MUSCULAR DYSTROPHY, LIMB-GIRDLE, AUTOSOMAL RECESSIVE 18. Identifiers: Orphanet 369840, MedGen C4517996, MONDO:0014144, OMIM 615356.

Allele frequency attached by ClinVar (database versions not stated): gnomAD exomes below 0.00001.
gnomAD v4.1: 4 of 1,613,930 alleles (0.00025%); highest among the groups gnomAD compares: South Asian, 0.0033%; no homozygotes.

Submission:

Labcorp Genetics (formerly Invitae), Labcorp
Classification: Uncertain significance for Autosomal recessive limb-girdle muscular dystrophy type R18. Last evaluated: 2022-07-25. Review status: criteria provided, single submitter. Criteria: Invitae Variant Classification Sherloc (09022015). Collection method: clinical testing. Allele origin: germline.
Comment: This sequence change replaces histidine, which is basic and polar, with arginine, which is basic and polar, at codon 810 of the TRAPPC11 protein (p.His810Arg). This variant is not present in population databases (gnomAD no frequency). This variant has not been reported in the literature in individuals affected with TRAPPC11-related conditions. ClinVar contains an entry for this variant (Variation ID: 1038419). Algorithms developed to predict the effect of missense changes on protein structure and function output the following: SIFT: "Tolerated"; PolyPhen-2: "Benign"; Align-GVGD: "Class C0". The arginine amino acid residue is found in multiple mammalian species, which suggests that this missense change does not adversely affect protein function. In summary, the available evidence is currently insufficient to determine the role of this variant in disease. Therefore, it has been classified as a Variant of Uncertain Significance.

NM_021942.6(TRAPPC11):c.2429A>G (p.His810Arg)

Genes: TRAPPC11 (trafficking protein particle complex subunit 11; plus strand), LOC126807238 (BRD4-independent group 4 enhancer GRCh37_chr4:184614366-184615565; plus strand). Cytogenetic location: 4q35.1.
Variant type: single nucleotide variant.
Coding change: c.2429A>G on transcript NM_021942.6 (MANE Select); coding-DNA position 2429, A replaced by G.
Protein change: p.His810Arg; replaces histidine 810 with arginine.
Molecular consequence: missense variant.
Genome position (GRCh38, 1-based): chr4:183,693,959, A>G. VCF-style: chr4-183693959-A-G. GRCh37 (hg19) VCF-style: chr4-184615112-A-G.
Other names: c.2429A>G, p.His810Arg (NM_199053.3); short protein forms H810R.
Identifiers: ClinVar variation 1038419 (VCV001038419.6), dbSNP rs1561053683, ClinGen allele CA358871984.